The following is an entry in ClinVar:

NM_025137.4(SPG11):c.4389G>A (p.Val1463=)

Gene: SPG11 (SPG11 vesicle trafficking associated, spatacsin; minus strand). Cytogenetic location: 15q21.1.
Variant type: single nucleotide variant.
Coding change: c.4389G>A on transcript NM_025137.4 (MANE Select); coding-DNA position 4389, G replaced by A.
Protein change: p.Val1463=; no amino-acid change (valine 1463 retained).
Molecular consequence: synonymous variant.
Genome position (GRCh38, 1-based): chr15:44,596,128, C>T on the plus strand (G>A on the coding strand, the complement: SPG11 is on the minus strand). VCF-style: chr15-44596128-C-T. GRCh37 (hg19) VCF-style: chr15-44888326-C-T.
Other names: c.4389G>A, p.Val1463= (NM_001160227.2, NM_001411132.1).
Identifiers: ClinVar variation 4997839 (VCV004997839.1).

ClinVar aggregate classification (germline): Likely benign (1 of 4 stars; one submission).

Conditions:
SPG11-related disorder. Also called: SPG11-related condition.

gnomAD v4.1: 4 of 1,614,030 alleles (0.00025%); highest among the groups gnomAD compares: South Asian, 0.0011%; no homozygotes.

Submission:

PreventionGenetics, part of Exact Sciences
Classification: Likely benign for SPG11-related condition. Last evaluated: 2024-10-07. Review status: criteria provided, single submitter. Criteria: ACMG Guidelines, 2015. Collection method: clinical testing. Allele origin: germline.
Comment: This variant is classified as likely benign based on ACMG/AMP sequence variant interpretation guidelines (Richards et al. 2015 PMID: 25741868, with internal and published modifications).